The following is an entry in ClinVar:

NM_001482.3(GATM):c.370G>A (p.Val124Ile)

Gene: GATM (glycine amidinotransferase; minus strand). Cytogenetic location: 15q21.1.
Variant type: single nucleotide variant.
Coding change: c.370G>A on transcript NM_001482.3 (MANE Select); coding-DNA position 370, G replaced by A.
Protein change: p.Val124Ile; replaces valine 124 with isoleucine.
Molecular consequence: missense variant. On other transcripts: 5 prime UTR variant (1).
Genome position (GRCh38, 1-based): chr15:45,369,440, C>T on the plus strand (G>A on the coding strand, the complement: GATM is on the minus strand). VCF-style: chr15-45369440-C-T. GRCh37 (hg19) VCF-style: chr15-45661638-C-T.
Other names: c.-18G>A (NM_001321015.2); short protein forms V124I.
Identifiers: ClinVar variation 2115997 (VCV002115997.4), dbSNP rs2541994335, ClinGen allele CA392261902.

ClinVar aggregate classification (germline): Uncertain significance (1 of 4 stars; one submission).

Conditions:
Arginine:glycine amidinotransferase deficiency (CCDS3). Also called: Cerebral creatine deficiency syndrome 3; AGAT deficiency; L-Arginine:Glycine Amidinotransferase (AGAT) Deficiency; L-Arginine:Glycine Amidinotransferase Deficiency; Creatine deficiency syndrome due to AGAT deficiency; GATM deficiency. Identifiers: Orphanet 35704, MedGen C2675179, MONDO:0012996, OMIM 612718.

Submission:

Labcorp Genetics (formerly Invitae), Labcorp
Classification: Uncertain significance for Arginine:glycine amidinotransferase deficiency. Last evaluated: 2022-07-15. Review status: criteria provided, single submitter. Criteria: Invitae Variant Classification Sherloc (09022015). Collection method: clinical testing. Allele origin: germline.
Comment: This sequence change replaces valine, which is neutral and non-polar, with isoleucine, which is neutral and non-polar, at codon 124 of the GATM protein (p.Val124Ile). This variant is not present in population databases (gnomAD no frequency). This variant has not been reported in the literature in individuals affected with GATM-related conditions. Algorithms developed to predict the effect of missense changes on protein structure and function (SIFT, PolyPhen-2, Align-GVGD) all suggest that this variant is likely to be tolerated. In summary, the available evidence is currently insufficient to determine the role of this variant in disease. Therefore, it has been classified as a Variant of Uncertain Significance.